The following is an entry in ClinVar:

ClinVar aggregate classification (germline): Likely benign. Review status: criteria provided, multiple submitters, no conflicts (2 of 4 stars). 3 submissions from 3 submitters: Likely benign (3). Last evaluated 2025-12-31.

Conditions:
AMH-related disorder. Also called: AMH-related condition.

Allele frequency attached by ClinVar (database versions not stated): 1000 Genomes Project 0.00100; ESP Exome Variant Server 0.00108; 1000 Genomes Project 30x 0.00125; gnomAD exomes 0.00159 and 0.00200; gnomAD 0.00169 and 0.00173; TOPMed 0.00175; ExAC 0.00203.
gnomAD v4.1: 3,121 of 1,600,752 alleles (0.19%); highest among the groups gnomAD compares: Admixed American, 0.26%; 2 homozygotes.

Submissions (3):

Labcorp Genetics (formerly Invitae), Labcorp
Classification: Likely benign. Last evaluated: 2025-12-31. Review status: criteria provided, single submitter. Criteria: Invitae Variant Classification Sherloc (09022015). Collection method: clinical testing. Allele origin: germline.

Blueprint Genetics
Classification: Likely benign. Last evaluated: 2024-11-28. Review status: criteria provided, single submitter. Criteria: ACMG Guidelines, 2015. Collection method: clinical testing. Allele origin: germline.

PreventionGenetics, part of Exact Sciences
Classification: Likely benign for AMH-related condition. Last evaluated: 2024-10-15. Review status: criteria provided, single submitter. Criteria: ACMG Guidelines, 2015. Collection method: clinical testing. Allele origin: germline.
Comment: This variant is classified as likely benign based on ACMG/AMP sequence variant interpretation guidelines (Richards et al. 2015 PMID: 25741868, with internal and published modifications).

NM_000479.5(AMH):c.1556C>T (p.Ala519Val)

Gene: AMH (anti-Mullerian hormone; plus strand). Cytogenetic location: 19p13.3.
Variant type: single nucleotide variant.
Coding change: c.1556C>T on transcript NM_000479.5 (MANE Select); coding-DNA position 1556, C replaced by T.
Protein change: p.Ala519Val; replaces alanine 519 with valine.
Molecular consequence: missense variant.
Genome position (GRCh38, 1-based): chr19:2,251,830, C>T. VCF-style: chr19-2251830-C-T. GRCh37 (hg19) VCF-style: chr19-2251829-C-T.
Other names: short protein forms A519V.
Identifiers: ClinVar variation 782556 (VCV000782556.12), dbSNP rs200031151, ClinGen allele CA9063112.